The following is an entry in ClinVar:

ClinVar aggregate classification (germline): Pathogenic (1 of 4 stars; one submission).

Submission:

Labcorp Genetics (formerly Invitae), Labcorp
Classification: Pathogenic. Last evaluated: 2024-01-11. Review status: criteria provided, single submitter. Criteria: Invitae Variant Classification Sherloc (09022015). Collection method: clinical testing. Allele origin: germline.
Comment: This sequence change creates a premature translational stop signal (p.Gln37*) in the LZTFL1 gene. It is expected to result in an absent or disrupted protein product. Loss-of-function variants in LZTFL1 are known to be pathogenic (PMID: 22510444, 23692385). This variant is not present in population databases (gnomAD no frequency). This variant has not been reported in the literature in individuals affected with LZTFL1-related conditions. Algorithms developed to predict the effect of sequence changes on RNA splicing suggest that this variant may disrupt the consensus splice site. For these reasons, this variant has been classified as Pathogenic.

Literature cited by the submitters: PubMed 22510444; PubMed 23692385.

NM_020347.4(LZTFL1):c.109C>T (p.Gln37Ter)

Gene: LZTFL1 (leucine zipper transcription factor like 1; minus strand). Cytogenetic location: 3p21.31.
Variant type: single nucleotide variant.
Coding change: c.109C>T on transcript NM_020347.4 (MANE Select); coding-DNA position 109, C replaced by T.
Protein change: p.Gln37Ter; replaces glutamine 37 with a stop codon.
Molecular consequence: nonsense. On other transcripts: intron variant (2).
Genome position (GRCh38, 1-based): chr3:45,837,946, G>A on the plus strand (C>T on the coding strand, the complement: LZTFL1 is on the minus strand). VCF-style: chr3-45837946-G-A. GRCh37 (hg19) VCF-style: chr3-45879438-G-A.
Other names: c.58C>T, p.Gln20Ter (NM_001276378.2, NM_001386451.1, NM_001405922.1 and 4 more transcripts); c.109C>T, p.Gln37Ter (NM_001386452.1, NM_001405924.1); c.133C>T, p.Gln45Ter (NM_001405920.1, NM_001405925.1); c.117-2162C>T (NM_001276379.2, NM_001405921.1); short protein forms Q37*, Q45*, Q20*.
Identifiers: ClinVar variation 2709040 (VCV002709040.3), dbSNP rs2529813625, ClinGen allele CA352455056.